The following is an entry in ClinVar:

ClinVar aggregate classification (germline): Uncertain significance (1 of 4 stars; one submission).

gnomAD v4.1: 1 of 1,614,032 alleles (0.000062%); highest among the groups gnomAD compares: Non-Finnish European, 0.000085%; no homozygotes.

Submission:

Labcorp Genetics (formerly Invitae), Labcorp
Classification: Uncertain significance. Last evaluated: 2025-09-02. Review status: criteria provided, single submitter. Criteria: Invitae Variant Classification Sherloc (09022015). Collection method: clinical testing. Allele origin: germline.
Comment: This sequence change replaces leucine, which is neutral and non-polar, with phenylalanine, which is neutral and non-polar, at codon 560 of the NFE2L2 protein (p.Leu560Phe). This variant is not present in population databases (gnomAD no frequency). This variant has not been reported in the literature in individuals affected with NFE2L2-related conditions. ClinVar contains an entry for this variant (Variation ID: 2781523). Invitae Evidence Modeling of protein sequence and biophysical properties (such as structural, functional, and spatial information, amino acid conservation, physicochemical variation, residue mobility, and thermodynamic stability) indicates that this missense variant is expected to disrupt NFE2L2 protein function with a positive predictive value of 80%. In summary, the available evidence is currently insufficient to determine the role of this variant in disease. Therefore, it has been classified as a Variant of Uncertain Significance.

NM_006164.5(NFE2L2):c.1680A>T (p.Leu560Phe)

Gene: NFE2L2 (NFE2 like bZIP transcription factor 2; minus strand). Cytogenetic location: 2q31.2.
Variant type: single nucleotide variant.
Coding change: c.1680A>T on transcript NM_006164.5 (MANE Select); coding-DNA position 1680, A replaced by T.
Protein change: p.Leu560Phe; replaces leucine 560 with phenylalanine.
Molecular consequence: missense variant.
Genome position (GRCh38, 1-based): chr2:177,230,923, T>A on the plus strand (A>T on the coding strand, the complement: NFE2L2 is on the minus strand). VCF-style: chr2-177230923-T-A. GRCh37 (hg19) VCF-style: chr2-178095651-T-A.
Other names: c.1632A>T, p.Leu544Phe (NM_001145412.3, NM_001313900.1, NM_001313901.1); c.1611A>T, p.Leu537Phe (NM_001145413.3); c.1590A>T, p.Leu530Phe (NM_001313902.2); c.1461A>T, p.Leu487Phe (NM_001313903.2); c.1380A>T, p.Leu460Phe (NM_001313904.1); short protein forms L487F, L560F, L530F, L537F, L544F, L460F.
Identifiers: ClinVar variation 2781523 (VCV002781523.3), dbSNP rs372010034, ClinGen allele CA349366354.